The following is an entry in ClinVar:

ClinVar aggregate classification (germline): Pathogenic (1 of 4 stars; one submission).

Submission:

Labcorp Genetics (formerly Invitae), Labcorp
Classification: Pathogenic. Last evaluated: 2022-12-05. Review status: criteria provided, single submitter. Criteria: Invitae Variant Classification Sherloc (09022015). Collection method: clinical testing. Allele origin: germline.
Comment: For these reasons, this variant has been classified as Pathogenic. This variant disrupts a region of the SEPSECS protein in which other variant(s) (p.Asp489Val) have been determined to be pathogenic (PMID: 25044680, 31130284). This suggests that this is a clinically significant region of the protein, and that variants that disrupt it are likely to be disease-causing. This variant has not been reported in the literature in individuals affected with SEPSECS-related conditions. This variant is not present in population databases (gnomAD no frequency). This sequence change creates a premature translational stop signal (p.Glu477*) in the SEPSECS gene. While this is not anticipated to result in nonsense mediated decay, it is expected to disrupt the last 25 amino acid(s) of the SEPSECS protein.

Literature cited by the submitters: PubMed 25044680; PubMed 31130284.

NM_016955.4(SEPSECS):c.1429G>T (p.Glu477Ter)

Gene: SEPSECS (Sep (O-phosphoserine) tRNA:Sec (selenocysteine) tRNA synthase; minus strand). Cytogenetic location: 4p15.2.
Variant type: single nucleotide variant.
Coding change: c.1429G>T on transcript NM_016955.4 (MANE Select); coding-DNA position 1429, G replaced by T.
Protein change: p.Glu477Ter; replaces glutamic acid 477 with a stop codon.
Molecular consequence: nonsense.
Genome position (GRCh38, 1-based): chr4:25,124,008, C>A on the plus strand (G>T on the coding strand, the complement: SEPSECS is on the minus strand). VCF-style: chr4-25124008-C-A. GRCh37 (hg19) VCF-style: chr4-25125630-C-A.
Other names: c.1684G>T, p.Glu562Ter (NM_001410714.1); c.1429G>T, p.Glu477Ter (NM_153825.2); short protein forms E477*, E562*.
Identifiers: ClinVar variation 2818731 (VCV002818731.3), dbSNP rs2474624136, ClinGen allele CA356518513.